The following is an entry in ClinVar:

ClinVar aggregate classification (germline): Uncertain significance (1 of 4 stars; one submission).

Conditions:
Growth hormone insensitivity with immune dysregulation 1, autosomal recessive. Also called: GROWTH HORMONE INSENSITIVITY DUE TO POSTRECEPTOR DEFECT; LARON SYNDROME DUE TO POSTRECEPTOR DEFECT; Laron syndrome with immunodeficiency; GROWTH HORMONE INSENSITIVITY SYNDROME WITH IMMUNE DYSREGULATION 1, AUTOSOMAL RECESSIVE. Identifiers: Orphanet 220465, MedGen C5435698, MONDO:0100211, OMIM 245590.

Submission:

Labcorp Genetics (formerly Invitae), Labcorp
Classification: Uncertain significance for Growth hormone insensitivity with immune dysregulation 1, autosomal recessive. Last evaluated: 2023-09-05. Review status: criteria provided, single submitter. Criteria: Invitae Variant Classification Sherloc (09022015). Collection method: clinical testing. Allele origin: germline.
Comment: In summary, the available evidence is currently insufficient to determine the role of this variant in disease. Therefore, it has been classified as a Variant of Uncertain Significance. Advanced modeling of protein sequence and biophysical properties (such as structural, functional, and spatial information, amino acid conservation, physicochemical variation, residue mobility, and thermodynamic stability) performed at Invitae indicates that this missense variant is not expected to disrupt STAT5B protein function. This variant has not been reported in the literature in individuals affected with STAT5B-related conditions. This variant is not present in population databases (gnomAD no frequency). This sequence change replaces phenylalanine, which is neutral and non-polar, with serine, which is neutral and polar, at codon 148 of the STAT5B protein (p.Phe148Ser).

NM_012448.4(STAT5B):c.443T>C (p.Phe148Ser)

Gene: STAT5B (signal transducer and activator of transcription 5B; minus strand). Cytogenetic location: 17q21.2.
Variant type: single nucleotide variant.
Coding change: c.443T>C on transcript NM_012448.4 (MANE Select); coding-DNA position 443, T replaced by C.
Protein change: p.Phe148Ser; replaces phenylalanine 148 with serine.
Molecular consequence: missense variant.
Genome position (GRCh38, 1-based): chr17:42,223,489, A>G on the plus strand (T>C on the coding strand, the complement: STAT5B is on the minus strand). VCF-style: chr17-42223489-A-G. GRCh37 (hg19) VCF-style: chr17-40375507-A-G.
Other names: short protein forms F148S.
Identifiers: ClinVar variation 2758337 (VCV002758337.3), dbSNP rs2508776639, ClinGen allele CA399589359.
Genomic context (GRCh38, chr17:42,223,489, plus strand): 5'-GTCTGCTGCAGCTTTTTTAACTCATTCTCTGTGTCCTGCGTGACCAGTCGCAGCTCCTCA[A>G]ACGTCTGGTTGATCTGGAGGTGTTTCTGGGACATGGCATCAGCAAGGCTTCCAGCTGGAG-3'
Protein context (NP_036580.2, residues 138-158): SQKHLQINQT[Phe148Ser]EELRLVTQDT